The following is an entry in ClinVar:

NM_001267550.2(TTN):c.61958C>T (p.Thr20653Ile)

Genes: TTN-AS1 (TTN antisense RNA 1; plus strand), TTN (titin; minus strand). Cytogenetic location: 2q31.2.
Variant type: single nucleotide variant.
Coding change: c.61958C>T on transcript NM_001267550.2 (MANE Select); coding-DNA position 61958, C replaced by T.
Protein change: p.Thr20653Ile; replaces threonine 20653 with isoleucine.
Molecular consequence: missense variant.
Genome position (GRCh38, 1-based): chr2:178,589,767, G>A on the plus strand (C>T on the coding strand, the complement: TTN is on the minus strand). VCF-style: chr2-178589767-G-A. GRCh37 (hg19) VCF-style: chr2-179454494-G-A.
Other names: c.57035C>T, p.Thr19012Ile (NM_001256850.1); c.34763C>T, p.Thr11588Ile (NM_003319.4); c.54254C>T, p.Thr18085Ile (NM_133378.4); c.35138C>T, p.Thr11713Ile (NM_133432.3); c.35339C>T, p.Thr11780Ile (NM_133437.4); short protein forms T18085I, T20653I, T11588I, T19012I, T11780I, T11713I.
Identifiers: ClinVar variation 502379 (VCV000502379.7), dbSNP rs1553641323, ClinGen allele CA349467052.
Genomic context (GRCh38, chr2:178,589,767, plus strand): 5'-TCAGGCTCACCTGGTCTGTCAATAGGGTTAATAGCCAGAATGGGAGTTTTTGTTTCGATG[G>A]TTGGCCCAACACCTACTTTATTCTCTGCACAAACTCGGAAATAGTATTCATTGTTGGCTA-3'
Protein context (NP_001254479.2, residues 20643-20663): CAENKVGVGP[Thr20653Ile]IETKTPILAI

ClinVar aggregate classification (germline): Uncertain significance. Review status: criteria provided, multiple submitters, no conflicts (2 of 4 stars). 2 submissions from 2 submitters: Uncertain significance (2). Last evaluated 2019-01-03.

Conditions:
Cardiovascular phenotype. Identifiers: MedGen CN230736.

gnomAD v4.1: 4 of 1,613,530 alleles (0.00025%); highest among the groups gnomAD compares: East Asian, 0.0045%; no homozygotes.

Submissions (2):

Ambry Genetics
Classification: Uncertain significance for Cardiovascular phenotype. Last evaluated: 2019-01-03. Review status: criteria provided, single submitter. Criteria: Ambry Variant Classification Scheme 2023. Collection method: clinical testing. Allele origin: germline.
Comment: The p.T11588I variant (also known as c.34763C>T), located in coding exon 131 of the TTN gene, results from a C to T substitution at nucleotide position 34763. The threonine at codon 11588 is replaced by isoleucine, an amino acid with similar properties. This amino acid position is not well conserved in available vertebrate species. In addition, this alteration is predicted to be tolerated by in silico analysis. Since supporting evidence is limited at this time, the clinical significance of this alteration remains unclear.

Eurofins Ntd Llc (ga)
Classification: Uncertain significance. Last evaluated: 2017-06-02. Review status: criteria provided, single submitter. Criteria: EGL Classification Definitions 2015. Collection method: clinical testing. Allele origin: germline. Observed: 1 variant allele, 1 heterozygote.